The following is an entry in ClinVar:

NM_015295.3(SMCHD1):c.4916T>C (p.Met1639Thr)

Gene: SMCHD1 (structural maintenance of chromosomes flexible hinge domain containing 1; plus strand). Cytogenetic location: 18p11.32.
Variant type: single nucleotide variant.
Coding change: c.4916T>C on transcript NM_015295.3 (MANE Select); coding-DNA position 4916, T replaced by C.
Protein change: p.Met1639Thr; replaces methionine 1639 with threonine.
Molecular consequence: missense variant.
Genome position (GRCh38, 1-based): chr18:2,770,058, T>C. VCF-style: chr18-2770058-T-C. GRCh37 (hg19) VCF-style: chr18-2770056-T-C.
Other names: short protein forms M1639T.
Identifiers: ClinVar variation 4839808 (VCV004839808.1).
Genomic context (GRCh38, chr18:2,770,058, plus strand): 5'-AGCAGCAACAAATGGCAGCACTTACAAAAGAAAAGGACCAATTATCTCAGTCTATTGTTA[T>C]GTATAAAAGTTTATTTGAAGCCAGCCAACAGCTTCTTAATGAAATGAAATGTAAGTCATT-3'
Protein context (NP_056110.2, residues 1629-1649): EKDQLSQSIV[Met1639Thr]YKSLFEASQQ

ClinVar aggregate classification (germline): Uncertain significance (1 of 4 stars; one submission).

Conditions:
Inborn genetic diseases. Identifiers: MedGen C0950123, MeSH D030342.

Submission:

Ambry Genetics
Classification: Uncertain significance for Inborn genetic diseases. Last evaluated: 2026-03-03. Review status: criteria provided, single submitter. Criteria: Ambry Variant Classification Scheme 2023. Collection method: clinical testing. Allele origin: germline.
Comment: The c.4916T>C (p.M1639T) alteration is located in exon 39 (coding exon 39) of the SMCHD1 gene. This alteration results from a T to C substitution at nucleotide position 4916, causing the methionine (M) at amino acid position 1639 to be replaced by a threonine (T). Based on data from gnomAD, the C allele has an overall frequency of <0.001% (1/238746) total alleles studied. The highest observed frequency was 0.001% (1/110324) of European (non-Finnish) alleles. Based on insufficient or conflicting evidence, the clinical significance of this alteration remains unclear.